The following is an entry in ClinVar:

NM_024548.4(CEP97):c.239C>T (p.Thr80Met)

Gene: CEP97 (centrosomal protein 97; plus strand). Cytogenetic location: 3q12.3.
Variant type: single nucleotide variant.
Coding change: c.239C>T on transcript NM_024548.4 (MANE Select); coding-DNA position 239, C replaced by T.
Protein change: p.Thr80Met; replaces threonine 80 with methionine.
Molecular consequence: missense variant.
Genome position (GRCh38, 1-based): chr3:101,727,435, C>T. VCF-style: chr3-101727435-C-T. GRCh37 (hg19) VCF-style: chr3-101446279-C-T.
Other names: c.239C>T, p.Thr80Met (NM_001303401.2, NM_001410784.1, NM_001410785.1); c.239C>T (NM_024548.2); short protein forms T80M.
Identifiers: ClinVar variation 1906256 (VCV001906256.6), dbSNP rs1024966245, ClinGen allele CA79785408.

ClinVar aggregate classification (germline): Uncertain significance. Review status: criteria provided, multiple submitters, no conflicts (2 of 4 stars). 2 submissions from 2 submitters: Uncertain significance (2). Last evaluated 2025-08-14.

Allele frequency attached by ClinVar (database versions not stated): gnomAD exomes below 0.00001; gnomAD 0.00001; TOPMed 0.00001.
gnomAD v4.1: 7 of 1,613,716 alleles (0.00043%); highest among the groups gnomAD compares: East Asian, 0.0022%; no homozygotes.

Submissions (2):

Ambry Genetics
Classification: Uncertain significance. Last evaluated: 2025-08-14. Review status: criteria provided, single submitter. Criteria: Ambry Variant Classification Scheme 2023. Collection method: clinical testing. Allele origin: germline.

Labcorp Genetics (formerly Invitae), Labcorp
Classification: Uncertain significance. Last evaluated: 2025-03-27. Review status: criteria provided, single submitter. Criteria: Invitae Variant Classification Sherloc (09022015). Collection method: clinical testing. Allele origin: germline.
Comment: This sequence change replaces threonine, which is neutral and polar, with methionine, which is neutral and non-polar, at codon 80 of the CEP97 protein (p.Thr80Met). This variant is not present in population databases (gnomAD no frequency). This variant has not been reported in the literature in individuals affected with CEP97-related conditions. ClinVar contains an entry for this variant (Variation ID: 1906256). Invitae Evidence Modeling of protein sequence and biophysical properties (such as structural, functional, and spatial information, amino acid conservation, physicochemical variation, residue mobility, and thermodynamic stability) indicates that this missense variant is not expected to disrupt CEP97 protein function with a negative predictive value of 80%. In summary, the available evidence is currently insufficient to determine the role of this variant in disease. Therefore, it has been classified as a Variant of Uncertain Significance.